The following is an entry in ClinVar:

ClinVar aggregate classification (germline): Uncertain significance (1 of 4 stars; one submission).

Conditions:
Legius syndrome. Identifiers: Orphanet 137605, MedGen C1969623, MONDO:0012669, OMIM 611431. Disease mechanism: loss of function.

Submission:

Labcorp Genetics (formerly Invitae), Labcorp
Classification: Uncertain significance for Legius syndrome. Last evaluated: 2025-06-18. Review status: criteria provided, single submitter. Criteria: Invitae Variant Classification Sherloc (09022015). Collection method: clinical testing. Allele origin: germline.
Comment: This sequence change replaces proline, which is neutral and non-polar, with glutamine, which is neutral and polar, at codon 87 of the SPRED1 protein (p.Pro87Gln). This variant is not present in population databases (gnomAD no frequency). This variant has not been reported in the literature in individuals affected with SPRED1-related conditions. Invitae Evidence Modeling of protein sequence and biophysical properties (such as structural, functional, and spatial information, amino acid conservation, physicochemical variation, residue mobility, and thermodynamic stability) indicates that this missense variant is expected to disrupt SPRED1 protein function with a positive predictive value of 80%. In summary, the available evidence is currently insufficient to determine the role of this variant in disease. Therefore, it has been classified as a Variant of Uncertain Significance.

NM_152594.3(SPRED1):c.260C>A (p.Pro87Gln)

Gene: SPRED1 (sprouty related EVH1 domain containing 1; plus strand). Cytogenetic location: 15q14.
Variant type: single nucleotide variant.
Coding change: c.260C>A on transcript NM_152594.3 (MANE Select); coding-DNA position 260, C replaced by A.
Protein change: p.Pro87Gln; replaces proline 87 with glutamine.
Molecular consequence: missense variant.
Genome position (GRCh38, 1-based): chr15:38,322,293, C>A. VCF-style: chr15-38322293-C-A. GRCh37 (hg19) VCF-style: chr15-38614494-C-A.
Other names: short protein forms P87Q.
Identifiers: ClinVar variation 4744044 (VCV004744044.1).
Genomic context (GRCh38, chr15:38,322,293, plus strand): 5'-TTTGTCAGGTGGTTTTGGAATGTATGCTTAAAAAAGACCTCATTTATAATAAGGTCACTC[C>A]AACATTTCACCACTGGAAGATTGATGACAAGAAGTTTGGTCTTACGTTTCAAAGTCCTGC-3'
Protein context (NP_689807.1, residues 77-97): KKDLIYNKVT[Pro87Gln]TFHHWKIDDK